The following is an entry in ClinVar:

NC_000015.10:g.(?_38253186)_(38253227_?)del

Gene: SPRED1 (sprouty related EVH1 domain containing 1; plus strand). Cytogenetic location: 15q14.
Variant type: Deletion.
Identifiers: ClinVar variation 832303 (VCV000832303.1).

ClinVar aggregate classification (germline): Pathogenic (1 of 4 stars; one submission).

Conditions:
Legius syndrome. Identifiers: Orphanet 137605, MedGen C1969623, MONDO:0012669, OMIM 611431. Disease mechanism: loss of function.

Submission:

Labcorp Genetics (formerly Invitae), Labcorp
Classification: Pathogenic for Legius syndrome. Last evaluated: 2019-11-26. Review status: criteria provided, single submitter. Criteria: Invitae Variant Classification Sherloc (09022015). Collection method: clinical testing. Allele origin: germline.
Comment: This variant is a gross deletion of the genomic region encompassing exon 1 of the SPRED1 gene, which includes the initiator codon. The 5' end of this event is unknown as it extends beyond the assayed region for this gene and therefore may encompass additional genes. The 3' boundary is likely confined to intron 1 of the SPRED1 gene. This is expected to result in an absent or disrupted protein product. A similar copy number variant has been observed in individual(s) with Legius syndrome (PMID: 28747691). Loss-of-function variants in SPRED1 are known to be pathogenic (PMID: 17704776). For these reasons, this variant has been classified as Pathogenic.

Literature cited by the submitters: PubMed 28747691.